The following is an entry in ClinVar:

ClinVar aggregate classification (germline): Conflicting classifications of pathogenicity. Review status: criteria provided, conflicting classifications (1 of 4 stars). 5 submissions from 5 submitters: Uncertain significance (4); Likely benign (1). Last evaluated 2024-08-22.

Conditions:
Hereditary cancer-predisposing syndrome. Also called: Hereditary neoplastic syndrome; Neoplastic Syndromes, Hereditary; Tumor predisposition; Hereditary Cancer Syndrome. Identifiers: Orphanet 140162, MedGen C0027672, MeSH D009386, MONDO:0015356.
Hereditary breast ovarian cancer syndrome. Also called: Hereditary breast and/or ovarian cancer syndrome; Hereditary breast and ovarian cancer syndrome; Hereditary breast and ovarian cancer; Breast and ovarian cancer; Hereditary breast and ovarian cancer syndrome (HBOC); BRCA1- and BRCA2-Associated Hereditary Breast and Ovarian Cancer. Identifiers: Orphanet 145, MedGen C0677776, MeSH D061325, MONDO:0003582. Disease mechanism: loss of function.

Submissions (5):

Labcorp Genetics (formerly Invitae), Labcorp
Classification: Uncertain significance for Hereditary breast ovarian cancer syndrome. Last evaluated: 2024-08-22. Review status: criteria provided, single submitter. Criteria: Invitae Variant Classification Sherloc (09022015). Collection method: clinical testing. Allele origin: germline.
Comment: This sequence change replaces glutamine, which is neutral and polar, with arginine, which is basic and polar, at codon 699 of the BRCA2 protein (p.Gln699Arg). This variant is not present in population databases (gnomAD no frequency). This variant has not been reported in the literature in individuals affected with BRCA2-related conditions. ClinVar contains an entry for this variant (Variation ID: 1320997). Invitae Evidence Modeling of protein sequence and biophysical properties (such as structural, functional, and spatial information, amino acid conservation, physicochemical variation, residue mobility, and thermodynamic stability) indicates that this missense variant is not expected to disrupt BRCA2 protein function with a negative predictive value of 95%. In summary, the available evidence is currently insufficient to determine the role of this variant in disease. Therefore, it has been classified as a Variant of Uncertain Significance.

Ambry Genetics
Classification: Uncertain significance for Hereditary cancer-predisposing syndrome. Last evaluated: 2024-02-09. Review status: criteria provided, single submitter. Criteria: Ambry Variant Classification Scheme 2023. Collection method: clinical testing. Allele origin: germline.
Comment: The p.Q699R variant (also known as c.2096A>G), located in coding exon 10 of the BRCA2 gene, results from an A to G substitution at nucleotide position 2096. The glutamine at codon 699 is replaced by arginine, an amino acid with highly similar properties. This amino acid position is not well conserved in available vertebrate species. In addition, this alteration is predicted to be tolerated by in silico analysis. Based on the available evidence, the clinical significance of this alteration remains unclear.

Quest Diagnostics Nichols Institute San Juan Capistrano
Classification: Uncertain significance. Last evaluated: 2023-10-06. Review status: criteria provided, single submitter. Criteria: Quest Diagnostics criteria. Collection method: clinical testing. Allele origin: unknown.

University of Washington Department of Laboratory Medicine, University of Washington
Classification: Likely benign for Hereditary cancer-predisposing syndrome. Last evaluated: 2023-03-23. Review status: criteria provided, single submitter. Criteria: Dines et al. (Genet Med. 2020). Collection method: curation. Allele origin: germline.
Comment: Missense variant in a coldspot region where missense variants are very unlikely to be pathogenic (PMID:31911673).

BRCA2 exon 11 coldspot. Reclassification based on statistical prior probability.

GeneDx
Classification: Uncertain significance. Last evaluated: 2020-02-07. Review status: criteria provided, single submitter. Criteria: GeneDx Variant Classification Process June 2021. Collection method: clinical testing. Allele origin: germline. Affected: yes.
Comment: Not observed in large population cohorts (Lek 2016); In silico analysis supports that this missense variant has a deleterious effect on protein structure/function; Has not been previously published as pathogenic or benign to our knowledge; Also known as 2324A>G

Literature cited by the submitters: PubMed 31911673 (cited by Quest Diagnostics Nichols Institute San Juan Capistrano).

NM_000059.4(BRCA2):c.2096A>G (p.Gln699Arg)

Gene: BRCA2 (BRCA2 DNA repair associated; plus strand). Cytogenetic location: 13q13.1.
Variant type: single nucleotide variant.
Coding change: c.2096A>G on transcript NM_000059.4 (MANE Select); coding-DNA position 2096, A replaced by G.
Protein change: p.Gln699Arg; replaces glutamine 699 with arginine.
Molecular consequence: missense variant.
Genome position (GRCh38, 1-based): chr13:32,336,451, A>G. VCF-style: chr13-32336451-A-G. GRCh37 (hg19) VCF-style: chr13-32910588-A-G.
Other names: short protein forms Q699R.
Identifiers: ClinVar variation 1320997 (VCV001320997.8), dbSNP rs2137483250, ClinGen allele CA387769876.
Genomic context (GRCh38, chr13:32,336,451, plus strand): 5'-ATACAGTAATCTCTCAGGATCTTGATTATAAAGAAGCAAAATGTAATAAGGAAAAACTAC[A>G]GTTATTTATTACCCCAGAAGCTGATTCTCTGTCATGCCTGCAGGAAGGACAGTGTGAAAA-3'
Protein context (NP_000050.3, residues 689-709): KEAKCNKEKL[Gln699Arg]LFITPEADSL